The following is an entry in ClinVar:

NM_014363.6(SACS):c.6897A>C (p.Glu2299Asp)

Gene: SACS (sacsin molecular chaperone; minus strand). Cytogenetic location: 13q12.12.
Variant type: single nucleotide variant.
Coding change: c.6897A>C on transcript NM_014363.6 (MANE Select); coding-DNA position 6897, A replaced by C.
Protein change: p.Glu2299Asp; replaces glutamic acid 2299 with aspartic acid.
Molecular consequence: missense variant.
Genome position (GRCh38, 1-based): chr13:23,336,979, T>G on the plus strand (A>C on the coding strand, the complement: SACS is on the minus strand). VCF-style: chr13-23336979-T-G. GRCh37 (hg19) VCF-style: chr13-23911118-T-G.
Other names: c.6897A>C (NM_014363.5); c.6456A>C, p.Glu2152Asp (NM_001278055.2); short protein forms E2152D, E2299D.
Identifiers: ClinVar variation 2150983 (VCV002150983.3), dbSNP rs2137605427, ClinGen allele CA387520505.
Genomic context (GRCh38, chr13:23,336,979, plus strand): 5'-GCAAGCATTGGTGATATTCTCCTGGTACAGTGTAATTCCATCATCAACTGATTTTGCTAC[T>G]TCTTTCAATTGGTTTATAACCAGATCAACTGTTGGCTTCTTGAGTAATCCCAAAAACTCT-3'
Protein context (NP_055178.3, residues 2289-2309): TVDLVINQLK[Glu2299Asp]VAKSVDDGIT

ClinVar aggregate classification (germline): Uncertain significance. Review status: criteria provided, single submitter (1 of 4 stars). 2 submissions from 2 submitters: Uncertain significance (1). 1 of the submissions does not count toward it. Last evaluated 2026-01-27.

Conditions:
Spastic paraplegia. Identifiers: MedGen C0037772, HP:0001258.
Charlevoix-Saguenay spastic ataxia (SACS). Also called: SPASTIC ATAXIA 6, AUTOSOMAL RECESSIVE; AUTOSOMAL RECESSIVE SPASTIC ATAXIA OF CHARLEVOIX-SAGUENAY; Spastic ataxia of Charlevoix-Saguenay. Identifiers: Orphanet 98, MedGen C1849140, MONDO:0010041, OMIM 270550.

Allele frequency attached by ClinVar (database versions not stated): gnomAD exomes 0.00001.
gnomAD v4.1: 4 of 1,614,026 alleles (0.00025%); highest among the groups gnomAD compares: Non-Finnish European, 0.00034%; no homozygotes.

Submissions (2):

Labcorp Genetics (formerly Invitae), Labcorp
Classification: Uncertain significance for Spastic paraplegia. Last evaluated: 2026-01-27. Review status: criteria provided, single submitter. Criteria: Invitae Variant Classification Sherloc (09022015). Collection method: clinical testing. Allele origin: germline.
Comment: This sequence change replaces glutamic acid, which is acidic and polar, with aspartic acid, which is acidic and polar, at codon 2299 of the SACS protein (p.Glu2299Asp). This variant is not present in population databases (gnomAD no frequency). This variant has not been reported in the literature in individuals affected with SACS-related conditions. ClinVar contains an entry for this variant (Variation ID: 2150983). Invitae Evidence Modeling of protein sequence and biophysical properties (such as structural, functional, and spatial information, amino acid conservation, physicochemical variation, residue mobility, and thermodynamic stability) indicates that this missense variant is not expected to disrupt SACS protein function with a negative predictive value of 95%. In summary, the available evidence is currently insufficient to determine the role of this variant in disease. Therefore, it has been classified as a Variant of Uncertain Significance.

Natera, Inc.
Classification: Uncertain significance for Charlevoix-Saguenay type spastic ataxia. Last evaluated: 2025-03-30. Review status: no assertion criteria provided. Collection method: clinical testing. Allele origin: germline. Not counted in ClinVar's aggregate classification.